The following is an entry in ClinVar:

NM_001792.5(CDH2):c.1043T>C (p.Ile348Thr)

Gene: CDH2 (cadherin 2; minus strand). Cytogenetic location: 18q12.1.
Variant type: single nucleotide variant.
Coding change: c.1043T>C on transcript NM_001792.5 (MANE Select); coding-DNA position 1043, T replaced by C.
Protein change: p.Ile348Thr; replaces isoleucine 348 with threonine.
Molecular consequence: missense variant.
Genome position (GRCh38, 1-based): chr18:27,993,615, A>G on the plus strand (T>C on the coding strand, the complement: CDH2 is on the minus strand). VCF-style: chr18-27993615-A-G. GRCh37 (hg19) VCF-style: chr18-25573579-A-G.
Other names: c.950T>C, p.Ile317Thr (NM_001308176.2); c.1043T>C (NM_001792.4); short protein forms I317T, I348T.
Identifiers: ClinVar variation 1929519 (VCV001929519.7), dbSNP rs770147491, ClinGen allele CA8923524.

ClinVar aggregate classification (germline): Uncertain significance. Review status: criteria provided, single submitter (1 of 4 stars). 2 submissions from 2 submitters: Uncertain significance (1). 1 of the submissions does not count toward it. Last evaluated 2025-03-10.

Conditions:
CDH2-related disorder. Also called: CDH2-related condition.

Allele frequency attached by ClinVar (database versions not stated): ExAC 0.00001; gnomAD 0.00001; gnomAD exomes 0.00001; TOPMed 0.00001.
gnomAD v4.1: 12 of 1,612,790 alleles (0.00074%); highest among the groups gnomAD compares: Non-Finnish European, 0.001%; no homozygotes.

Submissions (2):

Labcorp Genetics (formerly Invitae), Labcorp
Classification: Uncertain significance. Last evaluated: 2025-03-10. Review status: criteria provided, single submitter. Criteria: Invitae Variant Classification Sherloc (09022015). Collection method: clinical testing. Allele origin: germline.
Comment: This sequence change replaces isoleucine, which is neutral and non-polar, with threonine, which is neutral and polar, at codon 348 of the CDH2 protein (p.Ile348Thr). This variant is present in population databases (rs770147491, gnomAD 0.002%). This variant has not been reported in the literature in individuals affected with CDH2-related conditions. ClinVar contains an entry for this variant (Variation ID: 1929519). An algorithm developed to predict the effect of missense changes on protein structure and function (PolyPhen-2) suggests that this variant is likely to be disruptive. In summary, the available evidence is currently insufficient to determine the role of this variant in disease. Therefore, it has been classified as a Variant of Uncertain Significance.

PreventionGenetics, part of Exact Sciences
Classification: Uncertain significance for CDH2-related condition. Last evaluated: 2024-02-21. Review status: no assertion criteria provided. Collection method: clinical testing. Allele origin: germline. Not counted in ClinVar's aggregate classification.
Comment: The CDH2 c.1043T>C variant is predicted to result in the amino acid substitution p.Ile348Thr. This variant was reported in an individual with myelomeningocele (Table S4, Hebert et al. 2020. PubMed ID: 32970752). This variant is reported in 0.0018% of alleles in individuals of European (Non-Finnish) descent in gnomAD. At this time, the clinical significance of this variant is uncertain due to the absence of conclusive functional and genetic evidence.